The following is an entry in ClinVar:

NM_018263.6(ASXL2):c.3085C>G (p.Leu1029Val)

Gene: ASXL2 (ASXL transcriptional regulator 2; minus strand). Cytogenetic location: 2p23.3.
Variant type: single nucleotide variant.
Coding change: c.3085C>G on transcript NM_018263.6 (MANE Select); coding-DNA position 3085, C replaced by G.
Protein change: p.Leu1029Val; replaces leucine 1029 with valine.
Molecular consequence: missense variant.
Genome position (GRCh38, 1-based): chr2:25,743,252, G>C on the plus strand (C>G on the coding strand, the complement: ASXL2 is on the minus strand). VCF-style: chr2-25743252-G-C. GRCh37 (hg19) VCF-style: chr2-25966121-G-C.
Other names: c.2911C>G, p.Leu971Val (NM_001369346.1); c.2305C>G, p.Leu769Val (NM_001369347.1); short protein forms L1029V, L769V, L971V.
Identifiers: ClinVar variation 4800921 (VCV004800921.1).
Genomic context (GRCh38, chr2:25,743,252, plus strand): 5'-TGCTGGAGTCCCTCAGCTCCTTAGCTGAAAAGAGCTGAAGGGGCCTTGGAACCTGGGGGA[G>C]CTGCTTACTTTGCAAGGTTTTGCCCAGCTGCTGCTGCGTAGCTGGATGGGACTGTCTCTC-3'
Protein context (NP_060733.4, residues 1019-1039): QLGKTLQSKQ[Leu1029Val]PQVPRPLQLF

ClinVar aggregate classification (germline): Uncertain significance (1 of 4 stars; one submission).

gnomAD v4.1: 1 of 1,613,668 alleles (0.000062%); highest among the groups gnomAD compares: Non-Finnish European, 0.000085%; no homozygotes.

Submission:

Labcorp Genetics (formerly Invitae), Labcorp
Classification: Uncertain significance. Last evaluated: 2025-09-10. Review status: criteria provided, single submitter. Criteria: Invitae Variant Classification Sherloc (09022015). Collection method: clinical testing. Allele origin: germline.
Comment: This sequence change replaces leucine, which is neutral and non-polar, with valine, which is neutral and non-polar, at codon 1029 of the ASXL2 protein (p.Leu1029Val). This variant is not present in population databases (gnomAD no frequency). This variant has not been reported in the literature in individuals affected with ASXL2-related conditions. Invitae Evidence Modeling of protein sequence and biophysical properties (such as structural, functional, and spatial information, amino acid conservation, physicochemical variation, residue mobility, and thermodynamic stability) indicates that this missense variant is not expected to disrupt ASXL2 protein function with a negative predictive value of 80%. In summary, the available evidence is currently insufficient to determine the role of this variant in disease. Therefore, it has been classified as a Variant of Uncertain Significance.